The following is an entry in ClinVar:

NM_080680.3(COL11A2):c.-174C>A

Gene: COL11A2 (collagen type XI alpha 2 chain; minus strand). Cytogenetic location: 6p21.32.
Variant type: single nucleotide variant.
Coding change: c.-174C>A on transcript NM_080680.3 (MANE Select); 174 bases upstream of the start codon, C replaced by A.
Molecular consequence: 5 prime UTR variant.
Genome position (GRCh38, 1-based): chr6:33,192,414, G>T on the plus strand (C>A on the coding strand, the complement: COL11A2 is on the minus strand). VCF-style: chr6-33192414-G-T. GRCh37 (hg19) VCF-style: chr6-33160191-G-T.
Other names: c.-174C>A (NM_001163771.2, NM_080679.3, NM_080681.3).
Identifiers: ClinVar variation 356414 (VCV000356414.7), dbSNP rs138299820, ClinGen allele CA10626498.

ClinVar aggregate classification (germline): Benign. Review status: criteria provided, multiple submitters, no conflicts (2 of 4 stars). 3 submissions from 2 submitters: Benign (3). Last evaluated 2018-06-14.

Conditions:
Fibrochondrogenesis 2 (FBCG2). Identifiers: Orphanet 2021, MedGen C3281128, MONDO:0013795, OMIM 614524.
Otospondylomegaepiphyseal dysplasia, autosomal recessive (OSMEDB). Also called: CHONDRODYSTROPHY WITH SENSORINEURAL DEAFNESS; Insley-Astley syndrome. Identifiers: Orphanet 1427, MedGen CN034493, MONDO:0044206, OMIM 215150.

Allele frequency attached by ClinVar (database versions not stated): gnomAD exomes 0.00749; gnomAD 0.02438 and 0.02580; 1000 Genomes Project 0.02556; TOPMed 0.02754; 1000 Genomes Project 30x 0.02764.
gnomAD v4.1: 7,685 of 659,880 alleles (1.2%); highest among the groups gnomAD compares: African/African-American, 6.7%; 181 homozygotes.

Submissions (3):

GeneDx
Classification: Benign. Last evaluated: 2018-06-14. Review status: criteria provided, single submitter. Criteria: GeneDx Variant Classification (06012015). Collection method: clinical testing. Allele origin: germline. Affected: yes.
Comment: This variant is considered likely benign or benign based on one or more of the following criteria: it is a conservative change, it occurs at a poorly conserved position in the protein, it is predicted to be benign by multiple in silico algorithms, and/or has population frequency not consistent with disease.

Illumina Laboratory Services, Illumina
Classification: Benign for Fibrochondrogenesis 2. Last evaluated: 2018-01-13. Review status: criteria provided, single submitter. Criteria: ICSL Variant Classification Criteria 13 December 2019. Collection method: clinical testing. Allele origin: germline.
Comment: This variant was observed in the ICSL laboratory as part of a predisposition screen in an ostensibly healthy population. It had not been previously curated by ICSL or reported in the Human Gene Mutation Database (HGMD: prior to June 1st, 2018), and was therefore a candidate for classification through an automated scoring system. Utilizing variant allele frequency, disease prevalence and penetrance estimates, and inheritance mode, an automated score was calculated to assess if this variant is too frequent to cause the disease. Based on the score and internal cut-off values, a variant classified as benign is not then subjected to further curation. The score for this variant resulted in a classification of benign for this disease.

Illumina Laboratory Services, Illumina
Classification: Benign for Otospondylomegaepiphyseal dysplasia, autosomal recessive. Last evaluated: 2018-01-13. Review status: criteria provided, single submitter. Criteria: ICSL Variant Classification Criteria 13 December 2019. Collection method: clinical testing. Allele origin: germline.
Comment: the same text as in the submission from Illumina Laboratory Services, Illumina above.